The following is an entry in ClinVar:

NM_006648.4(WNK2):c.6273C>G (p.Ser2091Arg)

Gene: WNK2 (WNK lysine deficient protein kinase 2; plus strand). Cytogenetic location: 9q22.31.
Variant type: single nucleotide variant.
Coding change: c.6273C>G on transcript NM_006648.4 (MANE Select); coding-DNA position 6273, C replaced by G.
Protein change: p.Ser2091Arg; replaces serine 2091 with arginine.
Molecular consequence: missense variant.
Genome position (GRCh38, 1-based): chr9:93,308,341, C>G. VCF-style: chr9-93308341-C-G. GRCh37 (hg19) VCF-style: chr9-96070623-C-G.
Other names: c.6384C>G, p.Ser2128Arg (NM_001282394.3); short protein forms S2128R, S2091R.
Identifiers: ClinVar variation 3981834 (VCV003981834.1).

ClinVar aggregate classification (germline): Uncertain significance (1 of 4 stars; one submission).

Submission:

Ambry Genetics
Classification: Uncertain significance. Last evaluated: 2025-04-07. Review status: criteria provided, single submitter. Criteria: Ambry Variant Classification Scheme 2023. Collection method: clinical testing. Allele origin: germline.
Comment: The p.S2091R variant (also known as c.6273C>G), located in coding exon 27 of the WNK2 gene, results from a C to G substitution at nucleotide position 6273. The serine at codon 2091 is replaced by arginine, an amino acid with dissimilar properties. This amino acid position is conserved. In addition, the in silico prediction for this alteration is inconclusive. Based on the available evidence, the clinical significance of this variant remains unclear.